The following is an entry in ClinVar:

NM_001184880.2(PCDH19):c.1675A>G (p.Asn559Asp)

Gene: PCDH19 (protocadherin 19; minus strand). Cytogenetic location: Xq22.1.
Variant type: single nucleotide variant.
Coding change: c.1675A>G on transcript NM_001184880.2 (MANE Select); coding-DNA position 1675, A replaced by G.
Protein change: p.Asn559Asp; replaces asparagine 559 with aspartic acid.
Molecular consequence: missense variant.
Genome position (GRCh38, 1-based): chrX:100,406,923, T>C on the plus strand (A>G on the coding strand, the complement: PCDH19 is on the minus strand). VCF-style: chrX-100406923-T-C. GRCh37 (hg19) VCF-style: chrX-99661921-T-C.
Other names: c.1675A>G, p.Asn559Asp (NM_001105243.2, NM_020766.3); short protein forms N559D.
Identifiers: ClinVar variation 1064187 (VCV001064187.9), dbSNP rs2147538146, ClinGen allele CA414002210.

ClinVar aggregate classification (germline): Uncertain significance. Review status: criteria provided, multiple submitters, no conflicts (2 of 4 stars). 2 submissions from 2 submitters: Uncertain significance (2). Last evaluated 2023-12-27.

Conditions:
Developmental and epileptic encephalopathy, 9 (DEE9). Also called: Early infantile epileptic encephalopathy 9; JUBERG-HELLMAN SYNDROME; PCDH19-Related X-Linked Female-Limited Epilepsy with Mental Retardation; EPILEPSY, FEMALE-RESTRICTED, WITH MENTAL RETARDATION. Identifiers: Orphanet 101039, Orphanet 2076, MedGen C1848137, MONDO:0010246, OMIM 300088. Disease mechanism: loss of function.

Submissions (2):

Labcorp Genetics (formerly Invitae), Labcorp
Classification: Uncertain significance for Developmental and epileptic encephalopathy, 9. Last evaluated: 2023-12-27. Review status: criteria provided, single submitter. Criteria: Invitae Variant Classification Sherloc (09022015). Collection method: clinical testing. Allele origin: germline.
Comment: This sequence change replaces asparagine, which is neutral and polar, with aspartic acid, which is acidic and polar, at codon 559 of the PCDH19 protein (p.Asn559Asp). This variant is not present in population databases (gnomAD no frequency). This variant has not been reported in the literature in individuals affected with PCDH19-related conditions. ClinVar contains an entry for this variant (Variation ID: 1064187). Advanced modeling of protein sequence and biophysical properties (such as structural, functional, and spatial information, amino acid conservation, physicochemical variation, residue mobility, and thermodynamic stability) performed at Invitae indicates that this missense variant is expected to disrupt PCDH19 protein function with a positive predictive value of 95%. In summary, the available evidence is currently insufficient to determine the role of this variant in disease. Therefore, it has been classified as a Variant of Uncertain Significance.

Illumina Laboratory Services, Illumina
Classification: Uncertain significance for Developmental and epileptic encephalopathy, 9. Last evaluated: 2023-12-12. Review status: criteria provided, single submitter. Criteria: ISL SNV Classification Criteria 03 February 2026. Collection method: clinical testing. Allele origin: unknown.
Comment: The PCDH19 c.1675A>G p.(Asn559Asp) missense variant has not, to our knowledge, been reported in the peer-reviewed literature. This variant is not observed in version 2.1.1 or version 4.0.0 of the Genome Aggregation Database. The p.Asn559Asp variant is located in exon 1 within the extracellular domain, a region known to be enriched for disease-causing missense variants (PMID: 22267240;23334464;25204757). Multiple lines of computational evidence suggest the variant may impact the gene or gene product, however this has not be verified experimentally. Based on the available evidence, the c.1675A>G p.(Asn559Asp) variant is classified as a variant of uncertain significance for developmental and epileptic encephalopathy.

Literature cited by the submitters: PubMed 22267240 (cited by Illumina Laboratory Services, Illumina); PubMed 23334464 (cited by Illumina Laboratory Services, Illumina); PubMed 25204757 (cited by Illumina Laboratory Services, Illumina).